The following is an entry in ClinVar:

ClinVar aggregate classification (germline): Pathogenic/Likely pathogenic. Review status: criteria provided, multiple submitters, no conflicts (2 of 4 stars). 3 submissions from 3 submitters: Pathogenic (1); Likely pathogenic (2). Last evaluated 2025-10-07.

Conditions:
Inborn genetic diseases. Identifiers: MedGen C0950123, MeSH D030342.
Charcot-Marie-Tooth disease type 2. Also called: Charcot-Marie-Tooth type 2. Identifiers: Orphanet 64746, MedGen C0270914, MONDO:0018993.
Charcot-Marie-Tooth disease type 2A2. Also called: HEREDITARY MOTOR AND SENSORY NEUROPATHY IIA2; HMSN IIA2; CHARCOT-MARIE-TOOTH DISEASE, AXONAL, TYPE 2A2; CHARCOT-MARIE-TOOTH DISEASE, NEURONAL, TYPE 2A2; Charcot-Marie-Tooth Neuropathy Type 2A2; CHARCOT-MARIE-TOOTH DISEASE, AXONAL, AUTOSOMAL DOMINANT, TYPE 2A2A. Identifiers: Orphanet 99947, MedGen C4721887, MONDO:0012231, OMIM 609260.

gnomAD v4.1: 1 of 1,614,154 alleles (0.000062%); highest among the groups gnomAD compares: Non-Finnish European, 0.000085%; no homozygotes.

Submissions (3):

Ambry Genetics
Classification: Likely pathogenic for Inborn genetic diseases. Last evaluated: 2025-10-07. Review status: criteria provided, single submitter. Criteria: Ambry Variant Classification Scheme 2023. Collection method: clinical testing. Allele origin: germline.
Comment: The c.497C>T (p.A166V) alteration is located in exon 6 (coding exon 4) of the MFN2 gene. This alteration results from a C to T substitution at nucleotide position 497, causing the alanine (A) at amino acid position 166 to be replaced by a valine (V). for autosomal dominant MFN2-related neuropathy; however, its clinical significance for autosomal recessive MFN2-related neuropathy is uncertain. This variant was not reported in population-based cohorts in the Genome Aggregation Database (gnomAD). This variant was reported in individual(s) with features consistent with MFN2-related neuropathy (Sun, 2017; external communication). This amino acid position is highly conserved in available vertebrate species. This missense alteration is located in a region that has a low rate of benign missense variation (Lek, 2016; Firth, 2009). Based on internal structural analysis, this variant is anticipated to result in a significant decrease in structural stability (Ambry internal data). This alteration is predicted to be deleterious by in silico analysis. Based on the available evidence, this alteration is classified as likely pathogenic.

Labcorp Genetics (formerly Invitae), Labcorp
Classification: Pathogenic for Charcot-Marie-Tooth disease type 2. Last evaluated: 2023-08-27. Review status: criteria provided, single submitter. Criteria: Invitae Variant Classification Sherloc (09022015). Collection method: clinical testing. Allele origin: germline.
Comment: ClinVar contains an entry for this variant (Variation ID: 575387). This missense change has been observed in individuals with clinical features of Charcot-Marie-Tooth disease (PMID: 27862672; Invitae). It has also been observed to segregate with disease in related individuals. This variant is not present in population databases (gnomAD no frequency). This sequence change replaces alanine, which is neutral and non-polar, with valine, which is neutral and non-polar, at codon 166 of the MFN2 protein (p.Ala166Val). Advanced modeling of protein sequence and biophysical properties (such as structural, functional, and spatial information, amino acid conservation, physicochemical variation, residue mobility, and thermodynamic stability) performed at Invitae indicates that this missense variant is expected to disrupt MFN2 protein function. For these reasons, this variant has been classified as Pathogenic.

Mendelics
Classification: Likely pathogenic for Charcot-Marie-Tooth disease type 2A2. Last evaluated: 2019-05-28. Review status: criteria provided, single submitter. Criteria: Mendelics Assertion Criteria 2017. Collection method: clinical testing. Allele origin: unknown.

Literature cited by the submitters: PubMed 27862672 (cited by Ambry Genetics and Labcorp Genetics (formerly Invitae), Labcorp).

NM_014874.4(MFN2):c.497C>T (p.Ala166Val)

Gene: MFN2 (mitofusin 2; plus strand). Cytogenetic location: 1p36.22.
Variant type: single nucleotide variant.
Coding change: c.497C>T on transcript NM_014874.4 (MANE Select); coding-DNA position 497, C replaced by T.
Protein change: p.Ala166Val; replaces alanine 166 with valine.
Molecular consequence: missense variant.
Genome position (GRCh38, 1-based): chr1:11,997,319, C>T. VCF-style: chr1-11997319-C-T. GRCh37 (hg19) VCF-style: chr1-12057376-C-T.
Other names: c.497C>T, p.Ala166Val (NM_001127660.2); short protein forms A166V.
Identifiers: ClinVar variation 575387 (VCV000575387.10), dbSNP rs1557522849, ClinGen allele CA338436276.
Genomic context (GRCh38, chr1:11,997,319, plus strand): 5'-TCCTCCTCAGCCTCTTTCTTTCCTTCCTCTGCCATCAGACTGTGAACCAGCTGGCCCATG[C>T]CCTCCACCAGGACAAGCAGCTCCATGCCGGCAGCCTAGTGAGTGTGATGTGGCCCAACTC-3'
Protein context (NP_055689.1, residues 156-176): SAKTVNQLAH[Ala166Val]LHQDKQLHAG